The following is an entry in ClinVar:

NM_001267550.2(TTN):c.11311+4830A>T

Genes: TTN (titin; minus strand), LOC126806432 (CDK7 strongly-dependent group 2 enhancer GRCh37_chr2:179611985-179613184; plus strand). Cytogenetic location: 2q31.2.
Variant type: single nucleotide variant.
Coding change: c.11311+4830A>T on transcript NM_001267550.2 (MANE Select); 4830 bases into the intron after coding-DNA position 11311, A replaced by T.
Molecular consequence: intron variant. On other transcripts: missense variant (1).
Genome position (GRCh38, 1-based): chr2:178,748,294, T>A on the plus strand (A>T on the coding strand, the complement: TTN is on the minus strand). VCF-style: chr2-178748294-T-A. GRCh37 (hg19) VCF-style: chr2-179613021-T-A.
Other names: c.14106A>T, p.Lys4702Asn (NM_133379.5); c.10222+4830A>T (NM_003319.4); c.10798+4830A>T (NM_133437.4); c.10597+4830A>T (NM_133432.3); c.10360+4830A>T (NM_133378.4, NM_001256850.1); short protein forms K4702N.
Identifiers: ClinVar variation 4981327 (VCV004981327.1).
Genomic context (GRCh38, chr2:178,748,294, plus strand): 5'-TTTAAGAGAAAGATCAGTTTTTAAAATGTCTAAGTTTTGTTCCTGTACATGTCGGACTTC[T>A]TTTTCTAAAGAAATGGAATTTTCATCAATACTACTTTTCTCCACCATAGTTCTATTTGAA-3'

ClinVar aggregate classification (germline): Uncertain significance (1 of 4 stars; one submission).

Conditions:
TTN-related disorder. Also called: TTN-related disorders; TTN-related condition; TTN-related disease.

gnomAD v4.1: 34 of 1,612,716 alleles (0.0021%); highest among the groups gnomAD compares: Non-Finnish European, 0.0028%; no homozygotes.

Submission:

PreventionGenetics, part of Exact Sciences
Classification: Uncertain significance for TTN-related condition. Last evaluated: 2026-02-02. Review status: criteria provided, single submitter. Criteria: ACMG Guidelines, 2015. Collection method: clinical testing. Allele origin: germline.
Comment: The TTN c.11311+4830A>T variant is predicted to interfere with splicing. Of note, this variant is also referred to as c.14106A>T (p.Lys4702Asn), located in exon 46 of the alternative Novex-3 transcript NM_133379 (minor small cardiac isoform). This exon is not included in any other TTN transcripts (principle cardiac or skeletal muscle isoforms). To our knowledge, this variant has not been reported in the literature. This variant is reported in 0.00089% of alleles in individuals of European (Non-Finnish) descent in gnomAD. At this time, the clinical significance of this variant is uncertain due to the absence of conclusive functional and genetic evidence.